The following is an entry in ClinVar:

ClinVar aggregate classification (germline): Uncertain significance. Review status: criteria provided, multiple submitters, no conflicts (2 of 4 stars). 2 submissions from 2 submitters: Uncertain significance (2). Last evaluated 2020-11-14.

Conditions:
Peroxisome biogenesis disorder. Identifiers: Orphanet 79189, MedGen C1832200, MONDO:0019234. Disease mechanism: loss of function.

Allele frequency attached by ClinVar (database versions not stated): gnomAD exomes below 0.00001; gnomAD 0.00001.
gnomAD v4.1: 2 of 1,614,056 alleles (0.00012%); highest among the groups gnomAD compares: Non-Finnish European, 0.00017%; no homozygotes.

Submissions (2):

Labcorp Genetics (formerly Invitae), Labcorp
Classification: Uncertain significance for Peroxisome biogenesis disorder. Last evaluated: 2020-11-14. Review status: criteria provided, single submitter. Criteria: Invitae Variant Classification Sherloc (09022015). Collection method: clinical testing. Allele origin: germline.
Comment: This sequence change falls in intron 15 of the PEX6 gene. It does not directly change the encoded amino acid sequence of the PEX6 protein. This variant is not present in population databases (ExAC no frequency). This variant has not been reported in the literature in individuals with PEX6-related conditions. ClinVar contains an entry for this variant (Variation ID: 596116). Algorithms developed to predict the effect of sequence changes on RNA splicing suggest that this variant may disrupt the consensus splice site, but this prediction has not been confirmed by published transcriptional studies. In summary, the available evidence is currently insufficient to determine the role of this variant in disease. Therefore, it has been classified as a Variant of Uncertain Significance.

Eurofins Ntd Llc (ga)
Classification: Uncertain significance. Last evaluated: 2018-02-10. Review status: criteria provided, single submitter. Criteria: EGL ClinVar v180209 classification definitions. Collection method: clinical testing. Allele origin: germline. Observed: 1 variant allele, 1 heterozygote.

NM_000287.4(PEX6):c.2667-4A>G

Gene: PEX6 (peroxisomal biogenesis factor 6; minus strand). Cytogenetic location: 6p21.1.
Variant type: single nucleotide variant.
Coding change: c.2667-4A>G on transcript NM_000287.4 (MANE Select); 4 bases into the intron before coding-DNA position 2667, A replaced by G.
Molecular consequence: intron variant.
Genome position (GRCh38, 1-based): chr6:42,964,933, T>C on the plus strand (A>G on the coding strand, the complement: PEX6 is on the minus strand). VCF-style: chr6-42964933-T-C. GRCh37 (hg19) VCF-style: chr6-42932671-T-C.
Other names: c.2403-4A>G (NM_001316313.2).
Identifiers: ClinVar variation 596116 (VCV000596116.13), dbSNP rs1561819184, ClinGen allele CA913187284.